The following is an entry in ClinVar:

ClinVar aggregate classification (germline): Uncertain significance. Review status: criteria provided, multiple submitters, no conflicts (2 of 4 stars). 2 submissions from 2 submitters: Uncertain significance (2). Last evaluated 2025-05-21.

Conditions:
Paroxysmal nonkinesigenic dyskinesia. Also called: Paroxysmal non-kinesigenic dyskinesia. Identifiers: Orphanet 98810, MedGen C1869117, MONDO:0700088.

Allele frequency attached by ClinVar (database versions not stated): gnomAD exomes 0.00001; TOPMed 0.00001.
gnomAD v4.1: 4 of 1,612,414 alleles (0.00025%); highest among the groups gnomAD compares: Admixed American, 0.0017%; no homozygotes.

Submissions (2):

Women's Health and Genetics/Laboratory Corporation of America, LabCorp
Classification: Uncertain significance. Last evaluated: 2025-05-21. Review status: criteria provided, single submitter. Criteria: LabCorp Variant Classification Summary - May 2015. Collection method: clinical testing. Allele origin: germline.
Comment: Variant summary: PNKD c.708C>A (p.Tyr236X) results in a premature termination codon, predicted to cause a truncation of the encoded protein or absence of the protein due to nonsense mediated decay, however current evidence is not sufficient to establish loss of function as a mechanism for disease. The variant allele was found at a frequency of 1.2e-05 in 251378 control chromosomes. The available data on variant occurrences in the general population are insufficient to allow any conclusion about variant significance. To our knowledge, no occurrence of c.708C>A in individuals affected with Paroxysmal Nonkinesigenic Dyskinesia 1 and no experimental evidence demonstrating its impact on protein function have been reported. ClinVar contains an entry for this variant (Variation ID: 948389). Based on the evidence outlined above, the variant was classified as uncertain significance.

Labcorp Genetics (formerly Invitae), Labcorp
Classification: Uncertain significance for Paroxysmal nonkinesigenic dyskinesia. Last evaluated: 2024-06-03. Review status: criteria provided, single submitter. Criteria: Invitae Variant Classification Sherloc (09022015). Collection method: clinical testing. Allele origin: germline.
Comment: This sequence change creates a premature translational stop signal (p.Tyr236*) in the PNKD gene. It is expected to result in an absent or disrupted protein product. However, the current clinical and genetic evidence is not sufficient to establish whether loss-of-function variants in PNKD cause disease. This variant is present in population databases (no rsID available, gnomAD 0.003%). This variant has not been reported in the literature in individuals affected with PNKD-related conditions. ClinVar contains an entry for this variant (Variation ID: 948389). In summary, the available evidence is currently insufficient to determine the role of this variant in disease. Therefore, it has been classified as a Variant of Uncertain Significance.

NM_015488.5(PNKD):c.708C>A (p.Tyr236Ter)

Genes: CATIP-AS2 (CATIP antisense RNA 2; minus strand), PNKD (PNKD metallo-beta-lactamase domain containing; plus strand). Cytogenetic location: 2q35.
Variant type: single nucleotide variant.
Coding change: c.708C>A on transcript NM_015488.5 (MANE Select); coding-DNA position 708, C replaced by A.
Protein change: p.Tyr236Ter; replaces tyrosine 236 with a stop codon.
Molecular consequence: nonsense.
Genome position (GRCh38, 1-based): chr2:218,342,071, C>A. VCF-style: chr2-218342071-C-A. GRCh37 (hg19) VCF-style: chr2-219206794-C-A.
Other names: c.636C>A, p.Tyr212Ter (NM_022572.5); short protein forms Y212*, Y236*.
Identifiers: ClinVar variation 948389 (VCV000948389.8), dbSNP rs1025922436, ClinGen allele CA65759796.